The following is an entry in ClinVar:

NM_001383.6(DPH1):c.199G>A (p.Ala67Thr)

Gene: DPH1 (diphthamide biosynthesis 1; plus strand). Cytogenetic location: 17p13.3.
Variant type: single nucleotide variant.
Coding change: c.199G>A on transcript NM_001383.6 (MANE Select); coding-DNA position 199, G replaced by A.
Protein change: p.Ala67Thr; replaces alanine 67 with threonine.
Molecular consequence: missense variant. On other transcripts: 5 prime UTR variant (1), non-coding transcript variant (3).
Genome position (GRCh38, 1-based): chr17:2,033,642, G>A. VCF-style: chr17-2033642-G-A. GRCh37 (hg19) VCF-style: chr17-1936936-G-A.
Other names: c.214G>A, p.Ala72Thr (NM_001346574.1, NM_001346575.1); c.-85G>A (NM_001346576.2); short protein forms A72T, A67T.
Identifiers: ClinVar variation 2228708 (VCV002228708.2), dbSNP rs769334106, ClinGen allele CA8276866.

ClinVar aggregate classification (germline): Uncertain significance (1 of 4 stars; one submission).

Conditions:
Inborn genetic diseases. Identifiers: MedGen C0950123, MeSH D030342.

Allele frequency attached by ClinVar (database versions not stated): gnomAD exomes below 0.00001; ExAC 0.00001.
gnomAD v4.1: 14 of 1,614,102 alleles (0.00087%); highest among the groups gnomAD compares: African/African-American, 0.017%; no homozygotes.

Submission:

Ambry Genetics
Classification: Uncertain significance for Inborn genetic diseases. Last evaluated: 2021-01-06. Review status: criteria provided, single submitter. Criteria: Ambry Variant Classification Scheme 2023. Collection method: clinical testing. Allele origin: germline.
Comment: The c.214G>A (p.A72T) alteration is located in exon 2 (coding exon 2) of the DPH1 gene. This alteration results from a G to A substitution at nucleotide position 214, causing the alanine (A) at amino acid position 72 to be replaced by a threonine (T). The p.A72T alteration is predicted to be tolerated by in silico analysis. Based on insufficient or conflicting evidence, the clinical significance of this alteration remains unclear.